The following is an entry in ClinVar:

NM_031935.3(HMCN1):c.4733C>A (p.Ala1578Asp)

Gene: HMCN1 (hemicentin 1; plus strand). Cytogenetic location: 1q31.1.
Variant type: single nucleotide variant.
Coding change: c.4733C>A on transcript NM_031935.3 (MANE Select); coding-DNA position 4733, C replaced by A.
Protein change: p.Ala1578Asp; replaces alanine 1578 with aspartic acid.
Molecular consequence: missense variant.
Genome position (GRCh38, 1-based): chr1:186,015,261, C>A. VCF-style: chr1-186015261-C-A. GRCh37 (hg19) VCF-style: chr1-185984393-C-A.
Other names: short protein forms A1578D.
Identifiers: ClinVar variation 2063891 (VCV002063891.4), dbSNP rs142686709, ClinGen allele CA1292089.
Genomic context (GRCh38, chr1:186,015,261, plus strand): 5'-CAGTATTGATCAACAGCCTTATTAAACTGGAATGTGAAACACGGGGACTTCCAATGCCTG[C>A]CATTACTTGGTATAAGGACGGGCAGCCAATCATGTCCAGCTCACAAGCACTTTATATTGA-3'
Protein context (NP_114141.2, residues 1568-1588): ECETRGLPMP[Ala1578Asp]ITWYKDGQPI

ClinVar aggregate classification (germline): Uncertain significance (1 of 4 stars; one submission).

Allele frequency attached by ClinVar (database versions not stated): TOPMed 0.00009; ExAC 0.00013; ESP Exome Variant Server 0.00015; 1000 Genomes Project 30x 0.00016; 1000 Genomes Project 0.00020.
gnomAD v4.1: 168 of 1,613,740 alleles (0.01%); highest among the groups gnomAD compares: Middle Eastern, 0.066%; 2 homozygotes.

Submission:

Labcorp Genetics (formerly Invitae), Labcorp
Classification: Uncertain significance. Last evaluated: 2025-10-07. Review status: criteria provided, single submitter. Criteria: Invitae Variant Classification Sherloc (09022015). Collection method: clinical testing. Allele origin: germline.
Comment: This sequence change replaces alanine, which is neutral and non-polar, with aspartic acid, which is acidic and polar, at codon 1578 of the HMCN1 protein (p.Ala1578Asp). This variant is present in population databases (rs142686709, gnomAD 0.04%). This variant has not been reported in the literature in individuals affected with HMCN1-related conditions. ClinVar contains an entry for this variant (Variation ID: 2063891). An algorithm developed to predict the effect of missense changes on protein structure and function (PolyPhen-2) suggests that this variant is likely to be disruptive. In summary, the available evidence is currently insufficient to determine the role of this variant in disease. Therefore, it has been classified as a Variant of Uncertain Significance.